The following is an entry in ClinVar:

ClinVar aggregate classification (germline): Uncertain significance (1 of 4 stars; one submission).

Submission:

Labcorp Genetics (formerly Invitae), Labcorp
Classification: Uncertain significance. Last evaluated: 2020-01-28. Review status: criteria provided, single submitter. Criteria: Invitae Variant Classification Sherloc (09022015). Collection method: clinical testing. Allele origin: germline.
Comment: This sequence change replaces valine with phenylalanine at codon 187 of the SLC25A12 protein (p.Val187Phe). The valine residue is moderately conserved and there is a small physicochemical difference between valine and phenylalanine. This variant is not present in population databases (ExAC no frequency). This variant has not been reported in the literature in individuals with SLC25A12-related conditions. Algorithms developed to predict the effect of missense changes on protein structure and function are either unavailable or do not agree on the potential impact of this missense change (SIFT: "Deleterious"; PolyPhen-2: "Benign"; Align-GVGD: "Class C0"). In summary, the available evidence is currently insufficient to determine the role of this variant in disease. Therefore, it has been classified as a Variant of Uncertain Significance.

NM_003705.5(SLC25A12):c.559G>T (p.Val187Phe)

Gene: SLC25A12 (solute carrier family 25 member 12; minus strand). Cytogenetic location: 2q31.1.
Variant type: single nucleotide variant.
Coding change: c.559G>T on transcript NM_003705.5 (MANE Select); coding-DNA position 559, G replaced by T.
Protein change: p.Val187Phe; replaces valine 187 with phenylalanine.
Molecular consequence: missense variant. On other transcripts: non-coding transcript variant (1).
Genome position (GRCh38, 1-based): chr2:171,837,174, C>A on the plus strand (G>T on the coding strand, the complement: SLC25A12 is on the minus strand). VCF-style: chr2-171837174-C-A. GRCh37 (hg19) VCF-style: chr2-172693684-C-A.
Other names: short protein forms V187F.
Identifiers: ClinVar variation 841698 (VCV000841698.9), dbSNP rs1429533707, ClinGen allele CA349623425.